The following is an entry in ClinVar:

ClinVar aggregate classification (germline): Pathogenic (1 of 4 stars; one submission).

Conditions:
Kabuki syndrome. Also called: NIIKAWA-KUROKI SYNDROME; Kabuki make-up syndrome. Identifiers: Orphanet 2322, MedGen C0796004, MONDO:0016512.

Submission:

Labcorp Genetics (formerly Invitae), Labcorp
Classification: Pathogenic for Kabuki syndrome. Last evaluated: 2022-06-20. Review status: criteria provided, single submitter. Criteria: Invitae Variant Classification Sherloc (09022015). Collection method: clinical testing. Allele origin: germline.
Comment: For these reasons, this variant has been classified as Pathogenic. This variant has not been reported in the literature in individuals affected with KMT2D-related conditions. This variant is not present in population databases (gnomAD no frequency). This sequence change creates a premature translational stop signal (p.Glu455*) in the KMT2D gene. It is expected to result in an absent or disrupted protein product. Loss-of-function variants in KMT2D are known to be pathogenic (PMID: 22126750).

Literature cited by the submitters: PubMed 22126750.

NM_003482.4(KMT2D):c.1363G>T (p.Glu455Ter)

Gene: KMT2D (lysine methyltransferase 2D; minus strand). Cytogenetic location: 12q13.12.
Variant type: single nucleotide variant.
Coding change: c.1363G>T on transcript NM_003482.4 (MANE Select); coding-DNA position 1363, G replaced by T.
Protein change: p.Glu455Ter; replaces glutamic acid 455 with a stop codon.
Molecular consequence: nonsense.
Genome position (GRCh38, 1-based): chr12:49,052,320, C>A on the plus strand (G>T on the coding strand, the complement: KMT2D is on the minus strand). VCF-style: chr12-49052320-C-A. GRCh37 (hg19) VCF-style: chr12-49446103-C-A.
Other names: short protein forms E455*.
Identifiers: ClinVar variation 1459114 (VCV001459114.6), dbSNP rs2120685231, ClinGen allele CA384675151.